The following is an entry in ClinVar:

ClinVar aggregate classification (germline): Uncertain significance (1 of 4 stars; one submission).

gnomAD v4.1: 15 of 1,022,558 alleles (0.0015%); highest among the groups gnomAD compares: Non-Finnish European, 0.0017%; no homozygotes.

Submission:

Labcorp Genetics (formerly Invitae), Labcorp
Classification: Uncertain significance. Last evaluated: 2025-01-07. Review status: criteria provided, single submitter. Criteria: Invitae Variant Classification Sherloc (09022015). Collection method: clinical testing. Allele origin: germline.
Comment: This sequence change replaces arginine, which is basic and polar, with serine, which is neutral and polar, at codon 10 of the ADGRA3 protein (p.Arg10Ser). The frequency data for this variant in the population databases is considered unreliable, as metrics indicate insufficient coverage at this position in the gnomAD database. This variant has not been reported in the literature in individuals affected with ADGRA3-related conditions. ClinVar contains an entry for this variant (Variation ID: 1951237). Experimental studies and prediction algorithms are not available or were not evaluated, and the functional significance of this variant is currently unknown. In summary, the available evidence is currently insufficient to determine the role of this variant in disease. Therefore, it has been classified as a Variant of Uncertain Significance.

NM_145290.4(ADGRA3):c.28C>A (p.Arg10Ser)

Gene: ADGRA3 (adhesion G protein-coupled receptor A3; minus strand). Cytogenetic location: 4p15.2.
Variant type: single nucleotide variant.
Coding change: c.28C>A on transcript NM_145290.4 (MANE Select); coding-DNA position 28, C replaced by A.
Protein change: p.Arg10Ser; replaces arginine 10 with serine.
Molecular consequence: missense variant.
Genome position (GRCh38, 1-based): chr4:22,515,757, G>T on the plus strand (C>A on the coding strand, the complement: ADGRA3 is on the minus strand). VCF-style: chr4-22515757-G-T. GRCh37 (hg19) VCF-style: chr4-22517380-G-T.
Other names: short protein forms R10S.
Identifiers: ClinVar variation 1951237 (VCV001951237.5), dbSNP rs1719643565, ClinGen allele CA356507989.
Genomic context (GRCh38, chr4:22,515,757, plus strand): 5'-CTCCCAGCAGCGCGAGCAGCGCTAACAGCGAGAGCGGCAGCAACAGCGGCGGCTGCGCGC[G>T]GCCCCGCCGGCGTCCGGGTGGCTCCATGCTGCGGGCCGGGGCCTGCGGGGCGAGCGGCGG-3'
Protein context (NP_660333.2, residues 1-20): MEPPGRRRG[Arg10Ser]AQPPLLLPLS